The following is an entry in ClinVar:

NM_000540.3(RYR1):c.8446A>G (p.Met2816Val)

Genes: RYR1 (ryanodine receptor 1; plus strand), LOC126862902 (BRD4-independent group 4 enhancer GRCh37_chr19:38995830-38997029; plus strand). Cytogenetic location: 19q13.2.
Variant type: single nucleotide variant.
Coding change: c.8446A>G on transcript NM_000540.3 (MANE Select); coding-DNA position 8446, A replaced by G.
Protein change: p.Met2816Val; replaces methionine 2816 with valine.
Molecular consequence: missense variant.
Genome position (GRCh38, 1-based): chr19:38,505,851, A>G. VCF-style: chr19-38505851-A-G. GRCh37 (hg19) VCF-style: chr19-38996491-A-G.
Other names: c.8446A>G (NM_000540.2); c.8446A>G, p.Met2816Val (NM_001042723.2); short protein forms M2816V.
Identifiers: ClinVar variation 523076 (VCV000523076.14), dbSNP rs775492883, ClinGen allele CA072049.

ClinVar aggregate classification (germline): Conflicting classifications of pathogenicity. Review status: criteria provided, conflicting classifications (1 of 4 stars). 6 submissions from 6 submitters: Likely pathogenic (1); Uncertain significance (5). Last evaluated 2026-07-01.

Conditions:
Inborn genetic diseases. Identifiers: MedGen C0950123, MeSH D030342.
Malignant hyperthermia, susceptibility to, 1 (MHS1). Also called: Malignant hyperthermia suceptibility 1; RYR1-Related Malignant Hyperthermia Susceptibility; Anesthesia related hyperthermia; Malignant hyperpyrexia; Fulminating hyperpyrexia; Pharmacogenic myopathy. Identifiers: Orphanet 423, MedGen C2930980, MONDO:0007783, OMIM 145600.
Congenital myopathy with fiber type disproportion. Also called: Congenital fiber-type disproportion; Congenital fiber-type disproportion myopathy. Identifiers: Orphanet 2020, MedGen C0546264, MONDO:0009711. Inheritance: all.

Allele frequency attached by ClinVar (database versions not stated): gnomAD exomes below 0.00001 and 0.00001; ExAC 0.00001.
gnomAD v4.1: 5 of 1,614,140 alleles (0.00031%); highest among the groups gnomAD compares: Non-Finnish European, 0.00042%; no homozygotes.

Submissions (6):

CeGaT Center for Human Genetics Tuebingen
Classification: Uncertain significance. Last evaluated: 2026-07-01. Review status: criteria provided, single submitter. Criteria: CeGaT Center For Human Genetics Tuebingen Variant Classification Criteria Version 2. Collection method: clinical testing. Allele origin: germline. Affected: yes. Observed: 1 variant allele.
Comment: RYR1: PM2:Supporting

GeneDx
Classification: Uncertain significance. Last evaluated: 2025-01-22. Review status: criteria provided, single submitter. Criteria: GeneDx Variant Classification Process June 2021. Collection method: clinical testing. Allele origin: germline. Affected: yes.
Comment: Not observed at significant frequency in large population cohorts (gnomAD); In silico analysis supports that this missense variant has a deleterious effect on protein structure/function; Has not been previously published as pathogenic or benign to our knowledge; This variant is associated with the following publications: (PMID: 12668474)

All of Us Research Program, National Institutes of Health
Classification: Uncertain significance for Malignant hyperthermia, susceptibility to, 1. Last evaluated: 2024-08-13. Review status: criteria provided, single submitter. Criteria: ACMG Guidelines, 2015. Collection method: clinical testing. Allele origin: germline. Inheritance: Autosomal dominant inheritance. Observed: 3 variant alleles, 3 heterozygotes.
Comment: This missense variant replaces methionine with valine at codon 2816 of the RYR1 protein. Computational prediction suggests that this variant may have deleterious impact on protein structure and function. To our knowledge, functional studies have not been reported for this variant. This variant has not been reported in individuals affected with autosomal dominant malignant hyperthermia in the literature, although it is associated with other phenotype(s) (ClinVar variation ID: 523076). This variant has been identified in 1/251422 chromosomes in the general population by the Genome Aggregation Database (gnomAD). Due to insufficient evidence, this variant is classified as a Variant of Uncertain Significance for autosomal dominant malignant hyperthermia.

This study involves interpretation of variants in research participants for the purpose of population health screening. Participant phenotype was not available at the time of variant classification. Additional details can be found in publication PMID: 35346344, PMCID: PMC8962531

Ambry Genetics
Classification: Uncertain significance for Inborn genetic diseases. Last evaluated: 2021-08-02. Review status: criteria provided, single submitter. Criteria: Ambry Variant Classification Scheme 2023. Collection method: clinical testing. Allele origin: germline.

Revvity Omics, Revvity
Classification: Uncertain significance. Last evaluated: 2021-03-19. Review status: criteria provided, single submitter. Criteria: ACMG Guidelines, 2015. Collection method: clinical testing. Allele origin: germline.

Genomic Research Center, Shahid Beheshti University of Medical Sciences
Classification: Likely pathogenic for Congenital myopathy with fiber type disproportion. Last evaluated: 2020-05-03. Review status: criteria provided, single submitter. Criteria: ACMG Guidelines, 2015. Collection method: clinical testing. Allele origin: unknown. Affected: yes.